The following is an entry in ClinVar:

NM_016023.5(OTUD6B):c.527_528del (p.Val176fs)

Gene: OTUD6B (OTU deubiquitinase 6B; plus strand). Cytogenetic location: 8q21.3.
Variant type: Microsatellite.
Coding change: c.527_528del on transcript NM_016023.5 (MANE Select); coding-DNA positions 527 to 528, 2 bases deleted (TG; older notation c.527_528delTG).
Protein change: p.Val176fs; shifts the reading frame from valine 176.
Molecular consequence: frameshift variant.
Genome position (GRCh38, 1-based): chr8:91,078,567-91,078,568, TG deleted; deleting any 2 consecutive bases within chr8:91,078,565-91,078,568 gives the same sequence; the c. name uses the placement nearest the transcript's 3' end. VCF-style (leftmost placement, unchanged base first): chr8-91078564-CTG-C. GRCh37 (hg19) VCF-style: chr8-92090792-CTG-C.
Other names: c.224_225del, p.Val75fs (NM_001286745.3); c.617_618delTG (NM_016023.3); short protein forms V176fs, V75fs.
Identifiers: ClinVar variation 1334799 (VCV001334799.6), dbSNP rs1472577530, ClinGen allele CA583843993.
Genomic context (GRCh38, chr8:91,078,564, plus strand): 5'-ATGGCCACTGTATGTATAAAGCCATTGAAGATCAACTGAAAGAAAAGGATTGTGCTCTGA[CTG>C]TGGTTGCCTTGAGAAGTCAGACCGCTGAGTATATGCAAAGCCATGTGGAAGACTTTCTGC-3'

ClinVar aggregate classification (germline): Pathogenic/Likely pathogenic. Review status: criteria provided, multiple submitters, no conflicts (2 of 4 stars). 3 submissions from 3 submitters: Pathogenic (1); Likely pathogenic (1). 1 of the submissions does not count toward it. Last evaluated 2023-12-26.

Conditions:
Intellectual developmental disorder with dysmorphic facies, seizures, and distal limb anomalies (IDDFSDA). Identifiers: Orphanet 505237, MedGen C4479520, MONDO:0044319, OMIM 617452.
Inborn genetic diseases. Identifiers: MedGen C0950123, MeSH D030342.

Submissions (3):

GeneDx
Classification: Likely pathogenic. Last evaluated: 2023-12-26. Review status: criteria provided, single submitter. Criteria: GeneDx Variant Classification Process June 2021. Collection method: clinical testing. Allele origin: germline. Affected: yes.
Comment: Frameshift variant predicted to result in protein truncation or nonsense mediated decay in a gene for which loss-of-function is a known mechanism of disease; This variant is associated with the following publications: (PMID: 35430327)

Ambry Genetics
Classification: Pathogenic for Inborn genetic diseases. Last evaluated: 2021-08-18. Review status: criteria provided, single submitter. Criteria: Ambry Variant Classification Scheme 2023. Collection method: clinical testing. Allele origin: germline.
Comment: The c.617_618delTG (p.V206Gfs*9) alteration, located in exon 4 (coding exon 4) of the OTUD6B gene, consists of a deletion of 2 nucleotides from position 617 to 618, causing a translational frameshift with a predicted alternate stop codon after 9 amino acids. This alteration is expected to result in loss of function by premature protein truncation or nonsense-mediated mRNA decay. Based on data from the Genome Aggregation Database (gnomAD), the OTUD6B c.617_618delTG alteration has an overall frequency of <0.01% (2/240562) total alleles studied. The highest observed frequency was 0.01% (1/17804) of East Asian alleles. Based on the available evidence, this alteration is classified as pathogenic.

School of Medicine, Dokuz Eylül University
Classification: Pathogenic for Intellectual developmental disorder with dysmorphic facies, seizures, and distal limb anomalies. Last evaluated: 2022-01-01. Review status: no assertion criteria provided. Collection method: research. Allele origin: paternal. Affected: yes. Not counted in ClinVar's aggregate classification.